The following is an entry in ClinVar:

ClinVar aggregate classification (germline): Pathogenic (1 of 4 stars; one submission).

Conditions:
Sotos syndrome (SOTOS). Also called: Sotos' syndrome; Distinctive facial appearance, overgrowth in childhood, and learning disabilities or delayed development; CEREBRAL GIGANTISM; CHROMOSOME 5q35 DELETION SYNDROME; SOTOS SYNDROME 1. Identifiers: Orphanet 821, MedGen C0175695, MONDO:0019349, OMIM 117550.

Submission:

Victorian Clinical Genetics Services, Murdoch Childrens Research Institute
Classification: Pathogenic for Sotos syndrome. Last evaluated: 2023-07-17. Review status: criteria provided, single submitter. Criteria: ACMG Guidelines, 2015. Collection method: clinical testing. Allele origin: germline. Inheritance: Autosomal dominant inheritance. Affected: yes.
Comment: Based on the classification scheme VCGS_Germline_v1.3.4, this variant is classified as Pathogenic. Following criteria are met: 0102 - Loss of function is a known mechanism of disease in this gene and is associated with Sotos syndrome (MIM#117550). (I) 0107 - This gene is associated with autosomal dominant disease. (I) 0201 - Variant is predicted to cause nonsense-mediated decay (NMD) and loss of protein (premature termination codon is located at least 54 nucleotides upstream of the final exon-exon junction). (SP) 0251 - This variant is heterozygous. (I) 0301 - Variant is absent from gnomAD (both v2 and v3). (SP) 0701 - Other NMD-predicted variants comparable to the one identified in this case have very strong previous evidence for pathogenicity (DECIPHER). (SP) 0807 - This variant has no previous evidence of pathogenicity. (I) 0905 - No published segregation evidence has been identified for this variant. (I) 1007 - No published functional evidence has been identified for this variant. (SP) Legend: (SP) - Supporting pathogenic, (I) - Information, (SB) - Supporting benign

NM_022455.5(NSD1):c.5258dup (p.Pro1754fs)

Gene: NSD1 (nuclear receptor binding SET domain protein 1; plus strand). Cytogenetic location: 5q35.3.
Variant type: Duplication.
Coding change: c.5258dup on transcript NM_022455.5 (MANE Select); coding-DNA position 5258, one base duplicated (A; older notation c.5258dupA).
Protein change: p.Pro1754fs; shifts the reading frame from proline 1754.
Molecular consequence: frameshift variant.
Genome position (GRCh38, 1-based): chr5:177,267,673, A duplicated; the last of 5 consecutive A bases (chr5:177,267,669-177,267,673); duplicating any one gives the same sequence. VCF-style (leftmost placement, unchanged base first): chr5-177267668-C-CA. GRCh37 (hg19) VCF-style: chr5-176694669-C-CA.
Other names: c.4385dup, p.Pro1463fs (NM_001365684.2, NM_001409308.1, NM_001409309.1 and 1 more transcripts); c.5258dup, p.Pro1754fs (NM_001409301.1, NM_001409302.1, NM_001409303.1); c.4838dup, p.Pro1614fs (NM_001409304.1); c.4505dup, p.Pro1503fs (NM_001409305.1); c.4496dup, p.Pro1500fs (NM_001409306.1, NM_001409307.1); c.5258dupA (NM_022455.4); short protein forms P1463fs, P1500fs, P1503fs, P1614fs, P1754fs.
Identifiers: ClinVar variation 3376770 (VCV003376770.1).